The following is an entry in ClinVar:

ClinVar aggregate classification (germline): Uncertain significance. Review status: criteria provided, multiple submitters, no conflicts (2 of 4 stars). 2 submissions from 2 submitters: Uncertain significance (2). Last evaluated 2023-12-14.

Conditions:
Hereditary cancer-predisposing syndrome. Also called: Hereditary Cancer Syndrome; Neoplastic Syndromes, Hereditary; Hereditary neoplastic syndrome; Tumor predisposition. Identifiers: Orphanet 140162, MedGen C0027672, MeSH D009386, MONDO:0015356.
Hereditary nonpolyposis colorectal neoplasms. Identifiers: MedGen C0009405, MeSH D003123.

Submissions (2):

Labcorp Genetics (formerly Invitae), Labcorp
Classification: Uncertain significance for Hereditary nonpolyposis colorectal neoplasms. Last evaluated: 2023-12-14. Review status: criteria provided, single submitter. Criteria: Invitae Variant Classification Sherloc (09022015). Collection method: clinical testing. Allele origin: germline.
Comment: This sequence change replaces alanine, which is neutral and non-polar, with valine, which is neutral and non-polar, at codon 500 of the MSH6 protein (p.Ala500Val). This variant is not present in population databases (gnomAD no frequency). This variant has not been reported in the literature in individuals affected with MSH6-related conditions. ClinVar contains an entry for this variant (Variation ID: 428434). Advanced modeling of protein sequence and biophysical properties (such as structural, functional, and spatial information, amino acid conservation, physicochemical variation, residue mobility, and thermodynamic stability) performed at Invitae indicates that this missense variant is not expected to disrupt MSH6 protein function with a negative predictive value of 95%. In summary, the available evidence is currently insufficient to determine the role of this variant in disease. Therefore, it has been classified as a Variant of Uncertain Significance.

Ambry Genetics
Classification: Uncertain significance for Hereditary cancer-predisposing syndrome. Last evaluated: 2022-03-10. Review status: criteria provided, single submitter. Criteria: Ambry Variant Classification Scheme 2023. Collection method: clinical testing. Allele origin: germline.
Comment: The p.A500V variant (also known as c.1499C>T), located in coding exon 4 of the MSH6 gene, results from a C to T substitution at nucleotide position 1499. The alanine at codon 500 is replaced by valine, an amino acid with similar properties. This amino acid position is not well conserved in available vertebrate species. In addition, this alteration is predicted to be tolerated by in silico analysis. Since supporting evidence is limited at this time, the clinical significance of this alteration remains unclear.

NM_000179.3(MSH6):c.1499C>T (p.Ala500Val)

Gene: MSH6 (mutS homolog 6; plus strand). Cytogenetic location: 2p16.3.
Variant type: single nucleotide variant.
Coding change: c.1499C>T on transcript NM_000179.3 (MANE Select); coding-DNA position 1499, C replaced by T.
Protein change: p.Ala500Val; replaces alanine 500 with valine.
Molecular consequence: missense variant.
Genome position (GRCh38, 1-based): chr2:47,799,482, C>T. VCF-style: chr2-47799482-C-T. GRCh37 (hg19) VCF-style: chr2-48026621-C-T.
Other names: c.1109C>T, p.Ala370Val (NM_001281492.2); c.593C>T, p.Ala198Val (NM_001281493.2, NM_001281494.2); short protein forms A500V, A198V, A370V.
Identifiers: ClinVar variation 428434 (VCV000428434.13), dbSNP rs1114167795, ClinGen allele CA346746206.